The following is an entry in ClinVar:

NM_005273.4(GNB2):c.229G>A (p.Gly77Arg)

Gene: GNB2 (G protein subunit beta 2; plus strand). Cytogenetic location: 7q22.1.
Variant type: single nucleotide variant.
Coding change: c.229G>A on transcript NM_005273.4 (MANE Select); coding-DNA position 229, G replaced by A.
Protein change: p.Gly77Arg; replaces glycine 77 with arginine.
Molecular consequence: missense variant.
Genome position (GRCh38, 1-based): chr7:100,677,377, G>A. VCF-style: chr7-100677377-G-A. GRCh37 (hg19) VCF-style: chr7-100275000-G-A.
Other names: short protein forms G77R.
Identifiers: ClinVar variation 977754 (VCV000977754.13), dbSNP rs1804373189, ClinGen allele CA368514697.
Genomic context (GRCh38, chr7:100,677,377, plus strand): 5'-CACCCTTCTGCTCTCCCTACACCGTTCCCCACCAGGCTGCTGGTCAGCGCCTCCCAGGAT[G>A]GGAAGCTCATCATCTGGGACAGCTACACCACCAACAAGGTAGGGTGGCGCGGGCTGCGGG-3'
Protein context (NP_005264.2, residues 67-87): SRLLVSASQD[Gly77Arg]KLIIWDSYTT

ClinVar aggregate classification (germline): Pathogenic. Review status: criteria provided, multiple submitters, no conflicts (2 of 4 stars). 5 submissions from 5 submitters: Pathogenic (4). 1 of the submissions does not count toward it. Last evaluated 2026-02-12.

Conditions:
GNB2-related disorder. Also called: GNB2-related condition.
Neurodevelopmental disorder with hypotonia and dysmorphic facies. Identifiers: MedGen C5561974, MONDO:0859185, OMIM 619503.

Submissions (5):

PreventionGenetics, part of Exact Sciences
Classification: Pathogenic for GNB2-related condition. Last evaluated: 2026-02-12. Review status: criteria provided, single submitter. Criteria: ACMG Guidelines, 2015. Collection method: clinical testing. Allele origin: germline.
Comment: The GNB2 c.229G>A variant is predicted to result in the amino acid substitution p.Gly77Arg. This variant has been reported to occur de novo in individuals with features of a GNB2-related neurodevelopmental disorder (Fukuda et al. 2020. PubMed ID: 31698099; Hiraide et al. 2021. PubMed ID: 33644862; Tan et al. 2022. PubMed ID: 34183358). In addition, a different substitution at this same amino acid position (p.Gly77Trp) has also been reported to occur de novo in an individual with GNB2-related neurodevelopmental disorder (Lansdon et al 2021. PubMed ID: 33971351). Several different substitutions of the homologous Gly77 in the paralogous GNB1 gene have also been reported in individuals with global developmental delay and hypotonia (Fukuda et al. 2020. PubMed ID: 31698099). To our knowledge, this variant has not been in gnomAD, indicating this variant is rare. This variant is interpreted as pathogenic.

3billion
Classification: Pathogenic for Neurodevelopmental disorder with hypotonia and dysmorphic facies. Last evaluated: 2025-02-26. Review status: criteria provided, single submitter. Criteria: ACMG Guidelines, 2015. Collection method: clinical testing. Allele origin: germline. Affected: yes.
Comment: The variant is not observed in the gnomAD v4.1.0 dataset. Predicted Consequence/Location: Missense variant. Missense changes are a common disease-causing mechanism. In silico tool predictions suggest damaging effect of the variant on gene or gene product [REVEL: 0.68 (>=0.6, sensitivity 0.68 and specificity 0.92); 3Cnet: 0.78 (> 0.75, sensitivity 0.96 and precision 0.92)]. The same nucleotide change resulting in the same amino acid change has been previously reported as pathogenic/likely pathogenic with strong evidence (ClinVar ID: VCV000977754 /3billion dataset). The variant has been previously reported as de novo in a similarly affected individual (PMID: 31698099). The variant has been previously reported as assumed (i.e. paternity and maternity not confirmed) de novo in at least one similarly affected unrelated individual (PMID: 34183358). A different missense change at the same codon (p.Gly77Trp) has been reported to be associated with GNB2-related disorder (ClinVar ID: VCV001013609 /PMID: 33971351). Therefore, this variant is classified as Pathogenic according to the recommendation of ACMG/AMP guideline.

Undiagnosed Diseases Network, NIH
Classification: Pathogenic for GNB2-related condition. Last evaluated: 2024-07-03. Review status: criteria provided, single submitter. Criteria: ACMG Guidelines, 2015. Collection method: clinical testing. Allele origin: de novo. Inheritance: Autosomal dominant inheritance. Affected: yes. Observed: 1 variant allele, 1 heterozygote. Study: Undiagnosed Diseases Network (NIH), UDN.

GeneDx
Classification: Pathogenic. Last evaluated: 2021-11-30. Review status: criteria provided, single submitter. Criteria: GeneDx Variant Classification Process June 2021. Collection method: clinical testing. Allele origin: germline. Affected: yes.
Comment: Not observed in large population cohorts (gnomAD); In silico analysis, which includes protein predictors and evolutionary conservation, supports a deleterious effect; This variant is associated with the following publications: (PMID: 30209403, 31698099, 33644862)

OMIM
Classification: Pathogenic for NEURODEVELOPMENTAL DISORDER WITH HYPOTONIA AND DYSMORPHIC FACIES. Last evaluated: 2022-04-25. Review status: no assertion criteria provided. Collection method: literature only. Allele origin: germline. Not counted in ClinVar's aggregate classification.

Literature cited by the submitters: PubMed 31698099 (cited by 3billion and OMIM); PubMed 34183358 (cited by 3billion and OMIM); PubMed 33971351 (cited by 3billion).